The following is an entry in ClinVar:

NM_000051.4(ATM):c.2374A>T (p.Lys792Ter)

Gene: ATM (ATM serine/threonine kinase; plus strand). Cytogenetic location: 11q22.3.
Variant type: single nucleotide variant.
Coding change: c.2374A>T on transcript NM_000051.4 (MANE Select); coding-DNA position 2374, A replaced by T.
Protein change: p.Lys792Ter; replaces lysine 792 with a stop codon.
Molecular consequence: nonsense.
Genome position (GRCh38, 1-based): chr11:108,257,604, A>T. VCF-style: chr11-108257604-A-T. GRCh37 (hg19) VCF-style: chr11-108128331-A-T.
Other names: c.2374A>T, p.Lys792Ter (NM_001351834.2); short protein forms K792*.
Identifiers: ClinVar variation 4813038 (VCV004813038.1).
Genomic context (GRCh38, chr11:108,257,604, plus strand): 5'-AGAATTGGTTCCTTGAGAAATATGATGCAGCTATGTACACGTTGCTTGAGCAACTGTACC[A>T]AGGTAAGATTTTCTTCTTCTTGTTTTGTTTTTTGAGATAGGATCTTTCTCTGTCACCCAG-3'

ClinVar aggregate classification (germline): Pathogenic (1 of 4 stars; one submission).

Conditions:
Familial cancer of breast. Also called: Hereditary breast cancer; BREAST CANCER, FAMILIAL; hereditary breast carcinoma. Identifiers: Orphanet 227535, MedGen C0346153, MONDO:0016419, OMIM 114480. Disease mechanism: loss of function.

Submission:

Myriad Genetics, Inc.
Classification: Pathogenic for Familial cancer of breast. Last evaluated: 2025-12-29. Review status: criteria provided, single submitter. Criteria: Myriad Autosomal Dominant, Autosomal Recessive and X-Linked Classification Criteria (2023). Collection method: clinical testing. Allele origin: unknown.
Comment: This variant is considered pathogenic. This variant creates a termination codon and is predicted to result in premature protein truncation.